The following is an entry in ClinVar:

NM_005431.2(XRCC2):c.248C>T (p.Thr83Ile)

Gene: XRCC2 (X-ray repair cross complementing 2; minus strand). Cytogenetic location: 7q36.1.
Variant type: single nucleotide variant.
Coding change: c.248C>T on transcript NM_005431.2 (MANE Select); coding-DNA position 248, C replaced by T.
Protein change: p.Thr83Ile; replaces threonine 83 with isoleucine.
Molecular consequence: missense variant.
Genome position (GRCh38, 1-based): chr7:152,649,237, G>A on the plus strand (C>T on the coding strand, the complement: XRCC2 is on the minus strand). VCF-style: chr7-152649237-G-A. GRCh37 (hg19) VCF-style: chr7-152346322-G-A.
Other names: short protein forms T83I.
Identifiers: ClinVar variation 658164 (VCV000658164.12), dbSNP rs1165041758, ClinGen allele CA370199113.
Genomic context (GRCh38, chr7:152,649,237, plus strand): 5'-CTTTGGGATAGTCTGTGCTCAAGAATTGTAACTAGCCGGAGCATATCAAAGTGGTAATCT[G>A]TATCAATAAATAAGACTTCTACTTCCAGGCCACCTTCTGATTTGGGAAGTATACATCGTG-3'
Protein context (NP_005422.1, residues 73-93): GLEVEVLFID[Thr83Ile]DYHFDMLRLV

ClinVar aggregate classification (germline): Uncertain significance. Review status: criteria provided, multiple submitters, no conflicts (2 of 4 stars). 2 submissions from 2 submitters: Uncertain significance (2). Last evaluated 2024-06-16.

Conditions:
Hereditary cancer-predisposing syndrome. Also called: Hereditary neoplastic syndrome; Neoplastic Syndromes, Hereditary; Hereditary Cancer Syndrome; Tumor predisposition. Identifiers: Orphanet 140162, MedGen C0027672, MeSH D009386, MONDO:0015356.

Allele frequency attached by ClinVar (database versions not stated): gnomAD exomes below 0.00001 and 0.00001; TOPMed below 0.00001; gnomAD 0.00001.
gnomAD v4.1: 10 of 1,613,734 alleles (0.00062%); highest among the groups gnomAD compares: Non-Finnish European, 0.00076%; no homozygotes.

Submissions (2):

Ambry Genetics
Classification: Uncertain significance for Hereditary cancer-predisposing syndrome. Last evaluated: 2024-06-16. Review status: criteria provided, single submitter. Criteria: Ambry Variant Classification Scheme 2023. Collection method: clinical testing. Allele origin: germline.
Comment: The p.T83I variant (also known as c.248C>T), located in coding exon 3 of the XRCC2 gene, results from a C to T substitution at nucleotide position 248. The threonine at codon 83 is replaced by isoleucine, an amino acid with similar properties. This alteration has been reported in at least one subject in a study of 13087 breast cancer cases and 5488 control individuals in the UK (Decker B et al. J Med Genet, 2017 11;54:732-741). In another study, this variant was reported in 0/60,466 breast cancer cases and in 1/53,461 controls (Dorling et al. N Engl J Med. 2021 02;384:428-439). This amino acid position is highly conserved in available vertebrate species. In addition, the in silico prediction for this alteration is inconclusive. Since supporting evidence is limited at this time, the clinical significance of this alteration remains unclear.

Labcorp Genetics (formerly Invitae), Labcorp
Classification: Uncertain significance. Last evaluated: 2023-03-10. Review status: criteria provided, single submitter. Criteria: Invitae Variant Classification Sherloc (09022015). Collection method: clinical testing. Allele origin: germline.
Comment: This variant is present in population databases (no rsID available, gnomAD 0.0009%). This variant has not been reported in the literature in individuals affected with XRCC2-related conditions. ClinVar contains an entry for this variant (Variation ID: 658164). Advanced modeling of protein sequence and biophysical properties (such as structural, functional, and spatial information, amino acid conservation, physicochemical variation, residue mobility, and thermodynamic stability) has been performed at Invitae for this missense variant, however the output from this modeling did not meet the statistical confidence thresholds required to predict the impact of this variant on XRCC2 protein function. In summary, the available evidence is currently insufficient to determine the role of this variant in disease. Therefore, it has been classified as a Variant of Uncertain Significance. This sequence change replaces threonine, which is neutral and polar, with isoleucine, which is neutral and non-polar, at codon 83 of the XRCC2 protein (p.Thr83Ile).

Literature cited by the submitters: PubMed 28779002 (cited by Ambry Genetics); PubMed 33471991 (cited by Ambry Genetics).